The following is an entry in ClinVar:

ClinVar aggregate classification (germline): Likely benign. Review status: reviewed by expert panel (3 of 4 stars). 3 submissions from 3 submitters: Likely benign (1). 2 of the submissions do not count toward it. Last evaluated 2017-06-29.

Conditions:
Hereditary cancer-predisposing syndrome. Also called: Hereditary Cancer Syndrome; Neoplastic Syndromes, Hereditary; Tumor predisposition; Hereditary neoplastic syndrome. Identifiers: Orphanet 140162, MedGen C0027672, MeSH D009386, MONDO:0015356.
Breast-ovarian cancer, familial, susceptibility to, 2 (BROVCA2). Also called: BRCA2 Hereditary Breast and Ovarian Cancer. Identifiers: Orphanet 145, MedGen C2675520, MONDO:0012933, OMIM 612555. Disease mechanism: loss of function.
Hereditary breast ovarian cancer syndrome. Also called: Hereditary breast and/or ovarian cancer syndrome; BRCA1- and BRCA2-Associated Hereditary Breast and Ovarian Cancer; Hereditary breast and ovarian cancer syndrome (HBOC); Hereditary breast and ovarian cancer; Hereditary breast and ovarian cancer syndrome; Breast and ovarian cancer. Identifiers: Orphanet 145, MedGen C0677776, MeSH D061325, MONDO:0003582. Disease mechanism: loss of function.

Submissions (3):

Evidence-based Network for the Interpretation of Germline Mutant Alleles (ENIGMA)
Classification: Likely benign for Breast-ovarian cancer, familial, susceptibility to, 2. Last evaluated: 2017-06-29. Review status: reviewed by expert panel. Criteria: ENIGMA BRCA1/2 Classification Criteria (2017-06-29). Collection method: curation. Allele origin: germline.
Comment: Synonymous substitution variant, with low bioinformatic likelihood to result in a splicing aberration (Splicing prior probability 0.02).

Labcorp Genetics (formerly Invitae), Labcorp
Classification: Likely benign for Hereditary breast ovarian cancer syndrome. Last evaluated: 2022-02-19. Review status: criteria provided, single submitter. Criteria: Invitae Variant Classification Sherloc (09022015). Collection method: clinical testing. Allele origin: germline. Not counted in ClinVar's aggregate classification.

Ambry Genetics
Classification: Likely benign for Hereditary cancer-predisposing syndrome. Last evaluated: 2015-03-09. Review status: criteria provided, single submitter. Criteria: Ambry Variant Classification Scheme 2023. Collection method: clinical testing. Allele origin: germline. Not counted in ClinVar's aggregate classification.

NM_000059.4(BRCA2):c.4929A>G (p.Val1643=)

Gene: BRCA2 (BRCA2 DNA repair associated; plus strand). Cytogenetic location: 13q13.1.
Variant type: single nucleotide variant.
Coding change: c.4929A>G on transcript NM_000059.4 (MANE Select); coding-DNA position 4929, A replaced by G.
Protein change: p.Val1643=; no amino-acid change (valine 1643 retained).
Molecular consequence: synonymous variant.
Genome position (GRCh38, 1-based): chr13:32,339,284, A>G. VCF-style: chr13-32339284-A-G. GRCh37 (hg19) VCF-style: chr13-32913421-A-G.
Identifiers: ClinVar variation 230767 (VCV000230767.12), dbSNP rs876658757, ClinGen allele CA10579638.